The following is an entry in ClinVar:

NM_001126108.2(SLC12A3):c.1261T>G (p.Cys421Gly)

Gene: SLC12A3 (solute carrier family 12 member 3; plus strand). Cytogenetic location: 16q13.
Variant type: single nucleotide variant.
Coding change: c.1261T>G on transcript NM_001126108.2 (MANE Select); coding-DNA position 1261, T replaced by G.
Protein change: p.Cys421Gly; replaces cysteine 421 with glycine.
Molecular consequence: missense variant.
Genome position (GRCh38, 1-based): chr16:56,879,153, T>G. VCF-style: chr16-56879153-T-G. GRCh37 (hg19) VCF-style: chr16-56913065-T-G.
Other names: c.1261T>G, p.Cys421Gly (NM_000339.3); c.1258T>G, p.Cys420Gly (NM_001126107.2); short protein forms C420G, C421G.
Identifiers: ClinVar variation 1256468 (VCV001256468.2), dbSNP rs28936387, ClinGen allele CA395985927.

ClinVar aggregate classification (germline): Likely pathogenic. Review status: criteria provided, multiple submitters, no conflicts (2 of 4 stars). 2 submissions from 2 submitters: Likely pathogenic (2). Last evaluated 2022-03-14.

Conditions:
Familial hypokalemia-hypomagnesemia (GTLMNS). Also called: HYPOMAGNESEMIA-HYPOKALEMIA, PRIMARY RENOTUBULAR, WITH HYPOCALCIURIA; POTASSIUM AND MAGNESIUM DEPLETION; gitelman syndrome. Identifiers: Orphanet 358, MedGen C0268450, MONDO:0009904, OMIM 263800.

Submissions (2):

Fulgent Genetics
Classification: Likely pathogenic for Familial hypokalemia-hypomagnesemia. Last evaluated: 2022-03-14. Review status: criteria provided, single submitter. Criteria: ACMG Guidelines, 2015. Collection method: clinical testing. Allele origin: unknown.

Athena Diagnostics
Classification: Likely pathogenic. Last evaluated: 2021-05-18. Review status: criteria provided, single submitter. Criteria: Athena Diagnostics criteria. Collection method: clinical testing. Allele origin: unknown.
Comment: This variant has not been reported in large, multi-ethnic general populations. In multiple individuals, this variant has been seen with a single recessive pathogenic variant in the same gene, suggesting this variant may also be pathogenic. Computational tools predict that this variant is damaging.

Literature cited by the submitters: PubMed 17699451 (cited by Athena Diagnostics).